The following is an entry in ClinVar:

ClinVar aggregate classification (germline): Pathogenic/Likely pathogenic. Review status: criteria provided, multiple submitters, no conflicts (2 of 4 stars). 2 submissions from 2 submitters: Pathogenic (1); Likely pathogenic (1). Last evaluated 2025-12-02.

Conditions:
COL7A1-related disorder. Also called: COL7A1- related disorders; COL7A1-related condition.
Epidermolysis bullosa dystrophica. Also called: Dystrophic epidermolysis bullosa, Hallopeau-Siemens type (formerly); Dystrophic epidermolysis bullosa. Identifiers: Orphanet 303, MedGen C0079294, MONDO:0006543.

Submissions (2):

PreventionGenetics, part of Exact Sciences
Classification: Pathogenic for COL7A1-related condition. Last evaluated: 2025-12-02. Review status: criteria provided, single submitter. Criteria: ACMG Guidelines, 2015. Collection method: clinical testing. Allele origin: germline.
Comment: The COL7A1 c.6074G>A variant is predicted to result in the amino acid substitution p.Gly2025Asp. This variant has been reported in the heterozygous or compound heterozygous state in individuals with dystrophic epidermolysis bullosa (reported as G2023N in Appendix I, Varki et al. 2007. PubMed ID: 16971478; Table S6, Chen et al. 2023. PubMed ID: 36287101; Table S1, Tu et al. 2022. PubMed ID: 36578049). The amino acid p.Gly2025 resides within the triple helical domain of the COL7A1 protein (amino acids 1254-2784). Glycine substitutions within this domain affect the folding and secretion of type VII collagen, and pathogenic variants altering glycine residues have been reported in individuals with COL7A1-related disorders (Dang and Murrell. 2008. PubMed ID: 18558993; Abu Sa'd et al. 2006. PubMed ID: 16439963; Almaani et al. 2011. PubMed ID: 21448560; Vahidnezhad et al. 2017. PubMed ID: 27899325). Alternate glycine substitutions at the same amino acid position (p.Gly2025Ala and p.Gly2025Ser) have been reported in individuals with autosomal recessive epidermolysis bullosa (Hovnanian et al. 1997. PubMed ID: 9326325; Table S2, Almaani et al. 2011. PubMed ID: 21448560; Pfendner et al. 2003. PubMed ID: 12813757). The c.6074G>A (p.Gly2025Asp) variant has not been reported in a large population database (gnomAD), indicating this variant is rare. This variant is interpreted as pathogenic.

Natera, Inc.
Classification: Likely pathogenic for Dystrophic epidermolysis bullosa. Last evaluated: 2025-09-22. Review status: criteria provided, single submitter. Criteria: Natera Variant Classification Schema (03/2026). Collection method: clinical testing. Allele origin: germline.
Comment: The c.6074G>A variant in COL7A1 is a missense variant predicted to cause substitution of glycine to aspartic acid at amino acid 2025. This variant is rare in the general population with a frequency below the threshold expected for the associated phenotype(s). This variant has been observed in affected individual(s) with monoallelic occurrence (heterozygous/hemizygous) (PMID: 36578049). This variant has been identified in one or more affected individual with a phenotype highly consistent with the associated gene (PMID: 36578049). A different variant at the same position has been determined to be Pathogenic or Likely Pathogenic. Computational prediction algorithms indicate this variant is likely to affect gene or protein function. Given the available evidence, this variant is classified as Likely Pathogenic.

Literature cited by the submitters: PubMed 36578049 (cited by Natera, Inc.).

NM_000094.4(COL7A1):c.6074G>A (p.Gly2025Asp)

Gene: COL7A1 (collagen type VII alpha 1 chain; minus strand). Cytogenetic location: 3p21.31.
Variant type: single nucleotide variant.
Coding change: c.6074G>A on transcript NM_000094.4 (MANE Select); coding-DNA position 6074, G replaced by A.
Protein change: p.Gly2025Asp; replaces glycine 2025 with aspartic acid.
Molecular consequence: missense variant.
Genome position (GRCh38, 1-based): chr3:48,575,445, C>T on the plus strand (G>A on the coding strand, the complement: COL7A1 is on the minus strand). VCF-style: chr3-48575445-C-T. GRCh37 (hg19) VCF-style: chr3-48612878-C-T.
Other names: short protein forms G2025D.
Identifiers: ClinVar variation 4817390 (VCV004817390.2).